The following is an entry in ClinVar:

ClinVar aggregate classification (germline): Uncertain significance (1 of 4 stars; one submission).

Allele frequency attached by ClinVar (database versions not stated): gnomAD 0.00001; TOPMed 0.00001.
gnomAD v4.1: 8 of 1,613,908 alleles (0.0005%); highest among the groups gnomAD compares: Non-Finnish European, 0.00068%; no homozygotes.

Submission:

Labcorp Genetics (formerly Invitae), Labcorp
Classification: Uncertain significance. Last evaluated: 2023-11-25. Review status: criteria provided, single submitter. Criteria: Invitae Variant Classification Sherloc (09022015). Collection method: clinical testing. Allele origin: germline.
Comment: This sequence change replaces tyrosine, which is neutral and polar, with phenylalanine, which is neutral and non-polar, at codon 65 of the COA6 protein (p.Tyr65Phe). This variant is not present in population databases (gnomAD no frequency). This variant has not been reported in the literature in individuals affected with COA6-related conditions. An algorithm developed to predict the effect of missense changes on protein structure and function (PolyPhen-2) suggests that this variant is likely to be tolerated. In summary, the available evidence is currently insufficient to determine the role of this variant in disease. Therefore, it has been classified as a Variant of Uncertain Significance.

NM_001206641.3(COA6):c.284A>T (p.Tyr95Phe)

Gene: COA6 (cytochrome c oxidase assembly factor 6; plus strand). Cytogenetic location: 1q42.2.
Variant type: single nucleotide variant.
Coding change: c.284A>T on transcript NM_001206641.3 (MANE Select); coding-DNA position 284, A replaced by T.
Protein change: p.Tyr95Phe; replaces tyrosine 95 with phenylalanine.
Molecular consequence: missense variant.
Genome position (GRCh38, 1-based): chr1:234,374,301, A>T. VCF-style: chr1-234374301-A-T. GRCh37 (hg19) VCF-style: chr1-234510047-A-T.
Other names: c.194A>T, p.Tyr65Phe (NM_001012985.2); c.56A>T, p.Tyr19Phe (NM_001301733.1); short protein forms Y19F, Y65F, Y95F.
Identifiers: ClinVar variation 2798865 (VCV002798865.3), dbSNP rs902634043, ClinGen allele CA39497836.